The following is an entry in ClinVar:

ClinVar aggregate classification (germline): Uncertain significance (1 of 4 stars; one submission).

Submission:

GeneDx
Classification: Uncertain significance. Last evaluated: 2024-09-10. Review status: criteria provided, single submitter. Criteria: GeneDx Variant Classification Process June 2021. Collection method: clinical testing. Allele origin: germline. Affected: yes.
Comment: Not observed at significant frequency in large population cohorts (gnomAD); Has not been previously published as pathogenic or benign to our knowledge; Canonical splice site variant in a gene for which loss-of-function is not an established mechanism of disease

NM_001128840.3(CACNA1D):c.2812-1G>C

Gene: CACNA1D (calcium voltage-gated channel subunit alpha1 D; plus strand). Cytogenetic location: 3p21.1.
Variant type: single nucleotide variant.
Coding change: c.2812-1G>C on transcript NM_001128840.3 (MANE Select); the canonical splice acceptor site of the intron before coding-DNA position 2812, G replaced by C.
Molecular consequence: splice acceptor variant.
Genome position (GRCh38, 1-based): chr3:53,743,010, G>C. VCF-style: chr3-53743010-G-C. GRCh37 (hg19) VCF-style: chr3-53777037-G-C.
Other names: c.2812-1G>C (NM_001128839.3); c.2872-1G>C (NM_000720.4).
Identifiers: ClinVar variation 3767729 (VCV003767729.1).